The following is an entry in ClinVar:

ClinVar aggregate classification (germline): Uncertain significance (1 of 4 stars; one submission).

Conditions:
Wiskott-Aldrich syndrome 2 (WAS2). Also called: WIPF1 DEFICIENCY. Identifiers: Orphanet 906, MedGen C3281001, MONDO:0013779, OMIM 614493.

Allele frequency attached by ClinVar (database versions not stated): ExAC 0.00001; gnomAD 0.00001; gnomAD exomes 0.00001 and 0.00002; TOPMed 0.00001.
gnomAD v4.1: 11 of 1,613,962 alleles (0.00068%); highest among the groups gnomAD compares: East Asian, 0.0022%; no homozygotes.

Submission:

Labcorp Genetics (formerly Invitae), Labcorp
Classification: Uncertain significance for Wiskott-Aldrich syndrome 2. Last evaluated: 2025-01-01. Review status: criteria provided, single submitter. Criteria: Invitae Variant Classification Sherloc (09022015). Collection method: clinical testing. Allele origin: germline.
Comment: This sequence change creates a premature translational stop signal (p.Arg490*) in the WIPF1 gene. While this is not anticipated to result in nonsense mediated decay, it is expected to disrupt the last 14 amino acid(s) of the WIPF1 protein. This variant is present in population databases (rs764306764, gnomAD 0.003%). This variant has not been reported in the literature in individuals affected with WIPF1-related conditions. ClinVar contains an entry for this variant (Variation ID: 1006851). Experimental studies and prediction algorithms are not available or were not evaluated, and the functional significance of this variant is currently unknown. In summary, the available evidence is currently insufficient to determine the role of this variant in disease. Therefore, it has been classified as a Variant of Uncertain Significance.

NM_001375834.1(WIPF1):c.1468C>T (p.Arg490Ter)

Gene: WIPF1 (WAS/WASL interacting protein family member 1; minus strand). Cytogenetic location: 2q31.1.
Variant type: single nucleotide variant.
Coding change: c.1468C>T on transcript NM_001375834.1 (MANE Select); coding-DNA position 1468, C replaced by T.
Protein change: p.Arg490Ter; replaces arginine 490 with a stop codon.
Molecular consequence: nonsense.
Genome position (GRCh38, 1-based): chr2:174,562,591, G>A on the plus strand (C>T on the coding strand, the complement: WIPF1 is on the minus strand). VCF-style: chr2-174562591-G-A. GRCh37 (hg19) VCF-style: chr2-175427319-G-A.
Other names: c.1468C>T, p.Arg490Ter (NM_001077269.1, NM_001375832.1, NM_001375833.1 and 2 more transcripts); c.1090C>T, p.Arg364Ter (NM_001375839.1); short protein forms R364*, R490*.
Identifiers: ClinVar variation 1006851 (VCV001006851.6), dbSNP rs764306764, ClinGen allele CA1973883.